The following is an entry in ClinVar:

NM_000051.4(ATM):c.6673G>T (p.Ala2225Ser)

Genes: ATM (ATM serine/threonine kinase; plus strand), C11orf65 (chromosome 11 open reading frame 65; minus strand). Cytogenetic location: 11q22.3.
Variant type: single nucleotide variant.
Coding change: c.6673G>T on transcript NM_000051.4 (MANE Select); coding-DNA position 6673, G replaced by T.
Protein change: p.Ala2225Ser; replaces alanine 2225 with serine.
Molecular consequence: missense variant. On other transcripts: intron variant (2).
Genome position (GRCh38, 1-based): chr11:108,325,410, G>T. VCF-style: chr11-108325410-G-T. GRCh37 (hg19) VCF-style: chr11-108196137-G-T.
Other names: c.6673G>T, p.Ala2225Ser (NM_001351834.2); c.641-16339C>A (NM_001330368.2); c.*38+9810C>A (NM_001351110.2); short protein forms A2225S.
Identifiers: ClinVar variation 2159509 (VCV002159509.3), dbSNP rs1555119121, ClinGen allele CA382554872.

ClinVar aggregate classification (germline): Uncertain significance (1 of 4 stars; one submission).

Conditions:
Ataxia-telangiectasia syndrome (AT). Also called: ATAXIA-TELANGIECTASIA, COMPLEMENTATION GROUP A; ATAXIA-TELANGIECTASIA, FRESNO VARIANT; Ataxia-telangiectasia; Ataxia-telangiectasia, complementation group E; LOUIS-BAR SYNDROME; Cerebello-oculocutaneous telangiectasia. Identifiers: Orphanet 100, MedGen C0004135, MONDO:0008840, OMIM 208900.

Submission:

Labcorp Genetics (formerly Invitae), Labcorp
Classification: Uncertain significance for Ataxia-telangiectasia syndrome. Last evaluated: 2024-08-18. Review status: criteria provided, single submitter. Criteria: Invitae Variant Classification Sherloc (09022015). Collection method: clinical testing. Allele origin: germline.
Comment: This sequence change replaces alanine, which is neutral and non-polar, with serine, which is neutral and polar, at codon 2225 of the ATM protein (p.Ala2225Ser). This variant is not present in population databases (gnomAD no frequency). This missense change has been observed in individual(s) with breast cancer (PMID: 30287823). ClinVar contains an entry for this variant (Variation ID: 2159509). An algorithm developed to predict the effect of missense changes on protein structure and function (PolyPhen-2) suggests that this variant is likely to be disruptive. In summary, the available evidence is currently insufficient to determine the role of this variant in disease. Therefore, it has been classified as a Variant of Uncertain Significance.

Literature cited by the submitters: PubMed 30287823.